The following is an entry in ClinVar:

NM_015915.5(ATL1):c.1243C>T (p.Arg415Trp)

Gene: ATL1 (atlastin GTPase 1; plus strand). Cytogenetic location: 14q22.1.
Variant type: single nucleotide variant.
Coding change: c.1243C>T on transcript NM_015915.5 (MANE Select); coding-DNA position 1243, C replaced by T.
Protein change: p.Arg415Trp; replaces arginine 415 with tryptophan.
Molecular consequence: missense variant.
Genome position (GRCh38, 1-based): chr14:50,628,154, C>T. VCF-style: chr14-50628154-C-T. GRCh37 (hg19) VCF-style: chr14-51094872-C-T.
Other names: c.1243C>T, p.Arg415Trp (NM_001127713.1, NM_181598.4); short protein forms R415W.
Identifiers: ClinVar variation 4352 (VCV000004352.72), dbSNP rs119476050, ClinGen allele CA204596.

ClinVar aggregate classification (germline): Pathogenic/Likely pathogenic. Review status: criteria provided, multiple submitters, no conflicts (2 of 4 stars). 15 submissions from 15 submitters: Pathogenic (8); Likely pathogenic (4). 3 of the submissions do not count toward it. Last evaluated 2025-06-25.

Conditions:
ATL1-related disorder. Also called: ATL1-related condition.
Inborn genetic diseases. Identifiers: MedGen C0950123, MeSH D030342.
Hereditary spastic paraplegia 3A (SPG3A). Also called: SPASTIC PARAPLEGIA 3, AUTOSOMAL DOMINANT; FAMILIAL SPASTIC PARAPLEGIA, AUTOSOMAL DOMINANT, 1; Spastic paraplegia 3A, autosomal dominant; SPG3; STRUMPELL DISEASE; Spastic Paraplegia 3A. Identifiers: Orphanet 100984, MedGen C2931355, MONDO:0008437, OMIM 182600.

Allele frequency attached by ClinVar (database versions not stated): gnomAD exomes below 0.00001; ExAC 0.00001.

Submissions (15):

GeneDx
Classification: Likely pathogenic. Last evaluated: 2025-06-25. Review status: criteria provided, single submitter. Criteria: GeneDx Variant Classification Process June 2021. Collection method: clinical testing. Allele origin: germline. Affected: yes.
Comment: Reported previously in a large multi-generation family with early onset progressive spastic paraplegia in affected and unaffected individuals suggesting autosomal dominant inheritance with reduced penetrance (PMID: 15184642); Not observed at significant frequency in large population cohorts (gnomAD); In silico analysis supports that this missense variant has a deleterious effect on protein structure/function; This variant is associated with the following publications: (PMID: 24417445, 20862796, 21220294, 34808209, 20932283, 25341883, 31236401, 15184642, 26671083, 30780198, 19459885, 34983064, 16401858, 27108959, 24451228, 27217339, 37152446, 31594988, 4684346, Tolmacheva2023[preprint], 23483706, 39033325, 23334294)

Labcorp Genetics (formerly Invitae), Labcorp
Classification: Pathogenic for Hereditary spastic paraplegia 3A. Last evaluated: 2025-03-23. Review status: criteria provided, single submitter. Criteria: Invitae Variant Classification Sherloc (09022015). Collection method: clinical testing. Allele origin: germline.
Comment: This sequence change replaces arginine, which is basic and polar, with tryptophan, which is neutral and slightly polar, at codon 415 of the ATL1 protein (p.Arg415Trp). This variant is present in population databases (rs119476050, gnomAD 0.0009%). This missense change has been observed in individuals with autosomal dominant hereditary spastic paraplegia (PMID: 15184642, 16401858, 19459885, 20932283, 23483706, 24417445, 24451228). It has also been observed to segregate with disease in related individuals. ClinVar contains an entry for this variant (Variation ID: 4352). Invitae Evidence Modeling of protein sequence and biophysical properties (such as structural, functional, and spatial information, amino acid conservation, physicochemical variation, residue mobility, and thermodynamic stability) has been performed for this missense variant. However, the output from this modeling did not meet the statistical confidence thresholds required to predict the impact of this variant on ATL1 protein function. For these reasons, this variant has been classified as Pathogenic.

Athena Diagnostics
Classification: Likely pathogenic. Last evaluated: 2024-05-29. Review status: criteria provided, single submitter. Criteria: Athena Diagnostics Criteria. Collection method: clinical testing. Allele origin: unknown.
Comment: The frequency of this variant in the general population is consistent with pathogenicity. This variant has been identified in multiple unrelated individuals with clinical features associated with autosomal dominant spastic paraplegia. Polyphen and MutationTaster predict this amino acid change may be damaging to the protein.

CeGaT Center for Human Genetics Tuebingen
Classification: Pathogenic. Last evaluated: 2024-02-01. Review status: criteria provided, single submitter. Criteria: CeGaT Center For Human Genetics Tuebingen Variant Classification Criteria Version 2. Collection method: clinical testing. Allele origin: germline. Affected: yes. Observed: 6 variant alleles.
Comment: ATL1: PP1:Strong, PM1, PM2, PM5, PS4:Moderate, PP3

Institute of Human Genetics Munich, TUM University Hospital
Classification: Pathogenic for Hereditary spastic paraplegia 3A. Last evaluated: 2023-08-29. Review status: criteria provided, single submitter. Criteria: Classification criteria August 2017. Collection method: clinical testing. Allele origin: paternal, maternal, germline. Inheritance: Autosomal dominant inheritance. Affected: yes. Observed: 4 variant alleles. Clinical features observed: Dystonic disorder (HP:0001332), Spasticity (HP:0001257).

Blueprint Genetics
Classification: Pathogenic for ATL1-related disorders. Last evaluated: 2022-09-29. Review status: criteria provided, single submitter. Criteria: ACMG Guidelines, 2015. Collection method: clinical testing. Allele origin: germline. Affected: yes. Observed: 2 variant alleles.

Mayo Clinic Laboratories, Mayo Clinic
Classification: Likely pathogenic. Last evaluated: 2020-11-10. Review status: criteria provided, single submitter. Criteria: ACMG Guidelines, 2015. Collection method: clinical testing. Allele origin: germline. Observed: 1 variant allele.
Comment: PS4_moderate, PM1, PM2, PP3

Institute of Medical Genetics and Applied Genomics, University Hospital Tübingen
Classification: Pathogenic. Last evaluated: 2020-10-23. Review status: criteria provided, single submitter. Criteria: ACMG Guidelines, 2015. Collection method: clinical testing. Allele origin: germline. Inheritance: Unknown mechanism. Affected: yes.

Ambry Genetics
Classification: Likely pathogenic for Inborn genetic diseases. Last evaluated: 2014-07-17. Review status: criteria provided, single submitter. Criteria: Ambry Variant Classification Scheme 2023. Collection method: clinical testing. Allele origin: germline.
Comment: The c.1243C>T (p.R415W) alteration is located in exon 12 (coding exon 12) of the ATL1 gene. This alteration results from a C to T substitution at nucleotide position 1243, causing the arginine (R) at amino acid position 415 to be replaced by a tryptophan (W). Based on data from the NHLBI Exome Sequencing Project (ESP), the c.1243C>T alteration was not observed among 6,503 individuals tested (0.0%). Allele frequency data for this nucleotide position are not currently available from the 1000 Genomes Project. This alteration is currently listed in the Database of Single Nucleotide Polymorphisms (dbSNP) under rs119476050. Though some variants may appear to be rare due to database-specific ethnic underrepresentation, rare missense alleles commonly exhibit a deleterious effect on protein function (Kryukov, 2007; Tennessen, 2012). The R415W missense alteration has been reported in several HSP families. The first report is an Italian family with pure autosomal dominant HSP (D'Amico, 2004). The alteration was present in all affected individuals but was also present in nine unaffected relatives, who had normal neurological evaluations and motor evoked potentials (age range was 13-70 years). It was absent in 400 control chromosomes. This alteration was concluded to be a likely low penetrance mutation affected by modulator genes or strong epigenetic factors, although a neutral polymorphism could not be ruled out. This alteration was subsequently identified in second large family with apparently X-linked pure HSP. The alteration was present in three affected males and three unaffected family members, consistent with incomplete penetrance. Two of the unaffected carriers were women, and family history indicated that most unaffected women were obligate carriers. These findings were consistent with sex-associated reduced penetrance of this mutation. Varga et al. (2013) identified the same mutation in 1 of 83 Spanish patients with apparent sporadic HSP and in 2 of 28 Russian patients with dominant HSP. Evidence again suggested incomplete penetrance in these families._x000D_ _x000D_ A missense alteration affecting the same amino acid, R415Q, was reported in a consanguinous Moroccan family with childhood onset HSP (Varga, 2013). All four affected individuals were in the same generation, raising suspicion for an autosomal recessive etiology. Three of the affected individuals were found to be homozygous for the R415Q alteration and the fourth was heterozygous (three unaffected siblings and the parents were also heterozygous). The alteration showed complete penetrance in the homozygous state and incomplete penetrance in the heterozygous state. The authors discuss that c.1243C>T occurs at a CpG nucleotide and thus may represent a mutation hotspot. This amino acid position is highly conserved in available vertebrate species. This alteration is predicted to be possibly damaging and deleterious by PolyPhen and SIFT in silico analyses, respectively. Based on the available evidence, this alteration is classified as likely pathogenic.

Clinical Genetics Service, Universitary Hospital 12 de Octubre
Classification: Pathogenic for Hereditary spastic paraplegia 3A. Review status: criteria provided, single submitter. Criteria: ACMG Guidelines, 2015. Collection method: clinical testing. Allele origin: germline. Affected: yes.

Neuberg Centre For Genomic Medicine, NCGM
Classification: Pathogenic for Hereditary spastic paraplegia 3A. Review status: criteria provided, single submitter. Criteria: ACMG Guidelines, 2015. Collection method: clinical testing. Allele origin: germline. Inheritance: Autosomal dominant inheritance. Affected: yes.
Comment: The missense variant c.1243C>Tp.Arg415Trp in ATL1 gene has been reported in heterozygous state in multiple individuals with hereditary spastic paraplegia Yan YT, et al., 2019, Elert-Dobkowska E, et al., 2015. This variant is located in a mutational hotspot. The variant is reported with 0.0004% allele frequency in gnomAD Exomes and is novel not in any individuals in 1000 Genomes. This variant has been reported to the ClinVar database as Pathogenic/Likely Pathogenic. However, experimental studies on the pathogenicity of the variant are not available. The amino acid Arginine at position 415 is changed to a Tryptophan changing protein sequence and it might alter its composition and physico-chemical properties. The variant is predicted to be damaging by SIFT. The amino acid change p.Arg415Trp in ATL1 is predicted as conserved by GERP++ and PhyloP across 100 vertebrates. For these reasons, this variant has been classified as Pathogenic.

Paris Brain Institute, Inserm - ICM
Classification: Pathogenic for Hereditary spastic paraplegia 3A. Review status: criteria provided, single submitter. Criteria: ACMG Guidelines, 2015. Collection method: clinical testing. Allele origin: unknown. Affected: yes. Observed: 3 variant alleles.

Inherited Neuropathy Consortium Ii, University Of Miami
Classification: Uncertain significance for Hereditary spastic paraplegia 3A. Last evaluated: 2016-01-06. Review status: no assertion criteria provided. Collection method: literature only. Allele origin: germline. Affected: yes. Not counted in ClinVar's aggregate classification.

OMIM
Classification: Pathogenic for SPASTIC PARAPLEGIA 3, AUTOSOMAL DOMINANT. Last evaluated: 2013-06-01. Review status: no assertion criteria provided. Collection method: literature only. Allele origin: germline. Not counted in ClinVar's aggregate classification.

GeneReviews
No classification provided. Condition: Hereditary spastic paraplegia 3A. Review status: no classification provided. Collection method: literature only. Allele origin: unknown. Not counted in ClinVar's aggregate classification.

Literature cited by the submitters: PubMed 15184642 (cited by 5 submitters); PubMed 16401858 (cited by Labcorp Genetics (formerly Invitae), Labcorp); PubMed 19459885 (cited by Labcorp Genetics (formerly Invitae), Labcorp); PubMed 20932283 (cited by 3 submitters); PubMed 23483706 (cited by 5 submitters); PubMed 24417445 (cited by 3 submitters); PubMed 24451228 (cited by Labcorp Genetics (formerly Invitae), Labcorp and Athena Diagnostics); PubMed 30780198 (cited by Athena Diagnostics and Mayo Clinic Laboratories, Mayo Clinic); PubMed 26671083 (cited by Athena Diagnostics and Mayo Clinic Laboratories, Mayo Clinic); PubMed 4684346 (cited by Athena Diagnostics and OMIM); PubMed 31594988 (cited by Athena Diagnostics); PubMed 27108959 (cited by Athena Diagnostics); PubMed 27217339 (cited by Athena Diagnostics); PubMed 37152446 (cited by Athena Diagnostics); PubMed 21220294 (cited by Athena Diagnostics); PubMed 21494555 (cited by Inherited Neuropathy Consortium Ii, University Of Miami); PubMed 20862796 (cited by GeneReviews); NCBI Bookshelf NBK45978 (cited by GeneReviews).